The following is an entry in ClinVar:

NM_005431.2(XRCC2):c.350dup (p.Leu117fs)

Gene: XRCC2 (X-ray repair cross complementing 2; minus strand). Cytogenetic location: 7q36.1.
Variant type: Duplication.
Coding change: c.350dup on transcript NM_005431.2 (MANE Select); coding-DNA position 350, one base duplicated (T; older notation c.350dupT).
Protein change: p.Leu117fs; shifts the reading frame from leucine 117.
Molecular consequence: frameshift variant.
Genome position (GRCh38, 1-based): chr7:152,649,135, A duplicated on the plus strand (T on the coding strand, the reverse complement: XRCC2 is on the minus strand); the first of 8 consecutive A bases (chr7:152,649,135-152,649,142); duplicating any one gives the same sequence. VCF-style (leftmost placement, unchanged base first): chr7-152649134-C-CA. GRCh37 (hg19) VCF-style: chr7-152346219-C-CA.
Other names: c.350dup (NM_005431.1); short protein forms L117fs.
Identifiers: ClinVar variation 420244 (VCV000420244.17), dbSNP rs764640893, ClinGen allele CA4582356.

ClinVar aggregate classification (germline): Conflicting classifications of pathogenicity. Review status: criteria provided, conflicting classifications (1 of 4 stars). 6 submissions from 6 submitters: Pathogenic (1); Likely pathogenic (2); Uncertain significance (3). Last evaluated 2025-11-10.

Conditions:
Fanconi anemia complementation group U. Identifiers: MedGen C4310651, MONDO:0014987, OMIM 617247.
Spermatogenic failure 50. Also called: Spermatogenic failures 50. Identifiers: MedGen C5436888, MONDO:0030869, OMIM 619145.
Premature ovarian failure 17. Identifiers: MedGen C5436889, MONDO:0030870, OMIM 619146.
Hereditary cancer-predisposing syndrome. Also called: Hereditary neoplastic syndrome; Tumor predisposition; Neoplastic Syndromes, Hereditary; Hereditary Cancer Syndrome. Identifiers: Orphanet 140162, MedGen C0027672, MeSH D009386, MONDO:0015356.

Submissions (6):

Labcorp Genetics (formerly Invitae), Labcorp
Classification: Uncertain significance. Last evaluated: 2025-11-10. Review status: criteria provided, single submitter. Criteria: Invitae Variant Classification Sherloc (09022015). Collection method: clinical testing. Allele origin: germline.
Comment: This sequence change creates a premature translational stop signal (p.Leu117Phefs*6) in the XRCC2 gene. While this is not anticipated to result in nonsense mediated decay, it is expected to disrupt the last 164 amino acid(s) of the XRCC2 protein. The frequency data for this variant in the population databases is considered unreliable, as metrics indicate poor data quality at this position in the gnomAD database. This premature translational stop signal has been observed in individual(s) with a complex clinical presentation including dysmorphic features, skeletal and muscular abnormalities, and renal insufficiency (PMID: 32860008). ClinVar contains an entry for this variant (Variation ID: 420244). Experimental studies and prediction algorithms are not available or were not evaluated, and the functional significance of this variant is currently unknown. In summary, the available evidence is currently insufficient to determine the role of this variant in disease. Therefore, it has been classified as a Variant of Uncertain Significance.

Quest Diagnostics Nichols Institute San Juan Capistrano
Classification: Uncertain significance. Last evaluated: 2024-09-23. Review status: criteria provided, single submitter. Criteria: Quest Diagnostics criteria. Collection method: clinical testing. Allele origin: unknown.
Comment: The XRCC2 c.350dup (p.Leu117Phefs*6) variant alters the translational reading frame of the XRCC2 mRNA and is predicted to cause the premature termination of XRCC2 protein synthesis. This frameshift variant in the last exon is not expected to trigger nonsense-mediated decay of the affected allele, however results in a disruption of approximately 50% of the coding sequences of the XRC2 gene. This variant has been reported in the published literature in an individual with dysmorphic features, skeletal and muscular abnormalities, and renal insufficiency (PMID: 32860008 (2020)). The frequency of this variant in the general population, 0.000036 (4/111142 chromosomes (Genome Aggregation Database)), is uninformative in the assessment of its pathogenicity. Based on the available information, we are unable to determine the clinical significance of this variant.

Ambry Genetics
Classification: Pathogenic for Hereditary cancer-predisposing syndrome. Last evaluated: 2024-07-11. Review status: criteria provided, single submitter. Criteria: Ambry Variant Classification Scheme 2023. Collection method: clinical testing. Allele origin: germline.
Comment: The c.350dupT variant, located in coding exon 3 of the XRCC2 gene, results from a duplication of T at nucleotide position 350, causing a translational frameshift with a predicted alternate stop codon (p.L117Ffs*6). This alteration occurs at the 3' terminus of the XRCC2 gene, is not expected to trigger nonsense-mediated mRNA decay, and impacts 58.4% of the protein. However, premature stop codons are typically deleterious in nature and a significant portion of the protein is affected and the impacted region is critical for protein function (Ambry internal data). Based on the supporting evidence, this variant is interpreted as a disease-causing mutation.

Fulgent Genetics
Classification: Likely pathogenic for Fanconi anemia complementation group U; Spermatogenic failure 50; Premature ovarian failure 17. Last evaluated: 2024-05-30. Review status: criteria provided, single submitter. Criteria: ACMG Guidelines, 2015. Collection method: clinical testing. Allele origin: germline.

GeneDx
Classification: Uncertain significance. Last evaluated: 2019-11-07. Review status: criteria provided, single submitter. Criteria: GeneDx Variant Classification Process June 2021. Collection method: clinical testing. Allele origin: germline. Affected: yes.
Comment: Previously reported as a somatic variant in gastric cancer (Park et al., 2011), but has not been reported in the germline to our knowledge; Frameshift variant in the C-terminus predicted to result in protein truncation, as the last 164 amino acids are lost and replaced with 5 incorrect amino acids, but clinical significance is uncertain; Variants in candidate genes are classified as variants of uncertain significance in accordance with ACMG guidelines (Richards 2015); This variant is associated with the following publications: (PMID: 21240073)

CENTOGENE GmbH and LLC - Guiding Precision Medicine
Classification: Likely pathogenic for Fanconi anemia complementation group U. Review status: criteria provided, single submitter. Criteria: ACMG Guidelines, 2015. Collection method: clinical testing. Allele origin: germline. Affected: yes.

Literature cited by the submitters: PubMed 32860008 (cited by 3 submitters); PubMed 21240073 (cited by Quest Diagnostics Nichols Institute San Juan Capistrano); PubMed 16169065 (cited by Quest Diagnostics Nichols Institute San Juan Capistrano).